The following is an entry in ClinVar:

NM_000089.4(COL1A2):c.2711G>T (p.Gly904Val)

Gene: COL1A2 (collagen type I alpha 2 chain; plus strand). Cytogenetic location: 7q21.3.
Variant type: single nucleotide variant.
Coding change: c.2711G>T on transcript NM_000089.4 (MANE Select); coding-DNA position 2711, G replaced by T.
Protein change: p.Gly904Val; replaces glycine 904 with valine.
Molecular consequence: missense variant.
Genome position (GRCh38, 1-based): chr7:94,425,154, G>T. VCF-style: chr7-94425154-G-T. GRCh37 (hg19) VCF-style: chr7-94054466-G-T.
Other names: short protein forms G904V.
Identifiers: ClinVar variation 2921573 (VCV002921573.3), dbSNP rs775246283, ClinGen allele CA368224461.

ClinVar aggregate classification (germline): Pathogenic (1 of 4 stars; one submission).

Conditions:
Osteogenesis imperfecta type I (OI1). Also called: Lobstein disease; OI, TYPE I; OSTEOGENESIS IMPERFECTA TARDA; OSTEOGENESIS IMPERFECTA WITH BLUE SCLERAE; Osteogenesis imperfecta type 1; Lobstein's Disease. Identifiers: Orphanet 216796, Orphanet 666, MedGen C0023931, MONDO:0008146, OMIM 166200. Disease mechanism: loss of function.
Ehlers-Danlos syndrome, classic type, 1 (EDSCL1). Also called: EDS I; EHLERS-DANLOS SYNDROME, GRAVIS TYPE; EHLERS-DANLOS SYNDROME, SEVERE CLASSIC TYPE; Ehlers-Danlos syndrome, type 1; Ehlers-Danlos Syndrome, Classic Type, COL5A1-Related. Identifiers: MedGen C0268335, MONDO:0019567, OMIM 130000.

Submission:

Labcorp Genetics (formerly Invitae), Labcorp
Classification: Pathogenic for Osteogenesis imperfecta type I; Ehlers-Danlos syndrome, classic type, 1. Last evaluated: 2023-12-19. Review status: criteria provided, single submitter. Criteria: Invitae Variant Classification Sherloc (09022015). Collection method: clinical testing. Allele origin: germline.
Comment: This sequence change replaces glycine, which is neutral and non-polar, with valine, which is neutral and non-polar, at codon 904 of the COL1A2 protein (p.Gly904Val). This variant is not present in population databases (gnomAD no frequency). This missense change has been observed in individual(s) with autosomal dominant osteogenesis imperfecta (Invitae). Advanced modeling of protein sequence and biophysical properties (such as structural, functional, and spatial information, amino acid conservation, physicochemical variation, residue mobility, and thermodynamic stability) performed at Invitae indicates that this missense variant is expected to disrupt COL1A2 protein function with a positive predictive value of 95%. This variant disrupts the triple helix domain of COL1A2. Glycine residues within the Gly-Xaa-Yaa repeats of the triple helix domain are required for the structure and stability of fibrillar collagens (PMID: 7695699, 8218237, 19344236). In COL1A2, variants affecting these glycine residues are significantly enriched in individuals with disease (PMID: 9016532, 17078022) compared to the general population (ExAC). This variant disrupts the p.Gly904 amino acid residue in COL1A2. Other variant(s) that disrupt this residue have been observed in individuals with COL1A2-related conditions (PMID: 15241796; Invitae), which suggests that this may be a clinically significant amino acid residue. For these reasons, this variant has been classified as Pathogenic.

Literature cited by the submitters: PubMed 7695699; PubMed 8218237; PubMed 19344236; PubMed 9016532; PubMed 17078022; PubMed 15241796.